The following is an entry in ClinVar:

NM_004462.5(FDFT1):c.100-145C>G

Genes: FDFT1 (farnesyl-diphosphate farnesyltransferase 1), LOC129999907 (ATAC-STARR-seq lymphoblastoid silent region 18943; plus strand). Cytogenetic location: 8p23.1.
Variant type: single nucleotide variant.
Coding change: c.100-145C>G on transcript NM_004462.5 (MANE Select); 145 bases into the intron before coding-DNA position 100, C replaced by G.
Molecular consequence: intron variant. On other transcripts: synonymous variant (1).
Genome position (GRCh38, 1-based): chr8:11,808,649, C>G. VCF-style: chr8-11808649-C-G. GRCh37 (hg19) VCF-style: chr8-11666158-C-G.
Other names: c.132C>G, p.Ala44= (NM_001287750.2); c.100-145C>G (NM_001287742.2, NM_001287743.2); c.-93-145C>G (NM_001287744.2, NM_001287745.2, NM_001287747.2 and 2 more transcripts); c.64+5739C>G (NM_001287756.2).
Identifiers: ClinVar variation 3037723 (VCV003037723.2), dbSNP rs138750911, ClinGen allele CA172131038.

ClinVar aggregate classification (germline): Benign (0 of 4 stars; one submission).

Conditions:
FDFT1-related disorder. Also called: FDFT1-related condition.

Allele frequency attached by ClinVar (database versions not stated): 1000 Genomes Project 0.01298; gnomAD 0.01371; 1000 Genomes Project 30x 0.01374; TOPMed 0.01595.
gnomAD v4.1: 3,556 of 1,409,738 alleles (0.25%); highest among the groups gnomAD compares: African/African-American, 4.6%; 77 homozygotes.

Submission:

PreventionGenetics, part of Exact Sciences
Classification: Benign for FDFT1-related condition. Last evaluated: 2023-11-30. Review status: no assertion criteria provided. Collection method: clinical testing. Allele origin: germline.
Comment: This variant is classified as benign based on ACMG/AMP sequence variant interpretation guidelines (Richards et al. 2015 PMID: 25741868, with internal and published modifications).